The following is an entry in ClinVar:

ClinVar aggregate classification (germline): Uncertain significance (1 of 4 stars; one submission).

Conditions:
Inborn genetic diseases. Identifiers: MedGen C0950123, MeSH D030342.

Submission:

Ambry Genetics
Classification: Uncertain significance for Inborn genetic diseases. Last evaluated: 2026-06-24. Review status: criteria provided, single submitter. Criteria: Ambry Variant Classification Scheme 2023. Collection method: clinical testing. Allele origin: germline.
Comment: The p.L183P variant (also known as c.548T>C), located in coding exon 1 of the SAMD9L gene, results from a T to C substitution at nucleotide position 548. The leucine at codon 183 is replaced by proline, an amino acid with similar properties. This amino acid position is conserved. In addition, the in silico prediction for this alteration is inconclusive. Based on the available evidence, the clinical significance of this variant remains unclear.

NM_152703.5(SAMD9L):c.548T>C (p.Leu183Pro)

Gene: SAMD9L (sterile alpha motif domain containing 9 like; minus strand). Cytogenetic location: 7q21.2.
Variant type: single nucleotide variant.
Coding change: c.548T>C on transcript NM_152703.5 (MANE Select); coding-DNA position 548, T replaced by C.
Protein change: p.Leu183Pro; replaces leucine 183 with proline.
Molecular consequence: missense variant.
Genome position (GRCh38, 1-based): chr7:93,135,424, A>G on the plus strand (T>C on the coding strand, the complement: SAMD9L is on the minus strand). VCF-style: chr7-93135424-A-G. GRCh37 (hg19) VCF-style: chr7-92764737-A-G.
Other names: c.548T>C, p.Leu183Pro (NM_001303497.3, NM_001303498.3, NM_001303500.3 and 5 more transcripts); short protein forms L183P.
Identifiers: ClinVar variation 5028852 (VCV005028852.1).
Genomic context (GRCh38, chr7:93,135,424, plus strand): 5'-GTGAGAGCTTTGAACTCATGTATTGGATCAATGAGATTGAGTGCTCCTGTTTCAGGTTGT[A>G]GAGTATAATGTTCTATGTAGCGATGGCTGTCATGGAACTGATCAAAAGGATATGGCATAC-3'
Protein context (NP_689916.2, residues 173-193): DSHRYIEHYT[Leu183Pro]QPETGALNLI